The following is an entry in ClinVar:

ClinVar aggregate classification (germline): Likely pathogenic. Review status: criteria provided, single submitter (1 of 4 stars). 2 submissions from 2 submitters: Likely pathogenic (1). 1 of the submissions does not count toward it. Last evaluated 2024-07-11.

Conditions:
Charcot-Marie-Tooth disease. Also called: Charcot-Marie-Tooth Hereditary Neuropathy; Charcot-Marie-Tooth Neuropathy. Identifiers: Orphanet 166, MedGen C0007959, MONDO:0015626.
Charcot-Marie-Tooth Neuropathy X. Identifiers: MedGen CN118851.

Submissions (2):

Labcorp Genetics (formerly Invitae), Labcorp
Classification: Likely pathogenic for Charcot-Marie-Tooth Neuropathy X. Last evaluated: 2024-07-11. Review status: criteria provided, single submitter. Criteria: Invitae Variant Classification Sherloc (09022015). Collection method: clinical testing. Allele origin: germline.
Comment: This sequence change replaces tryptophan, which is neutral and slightly polar, with cysteine, which is neutral and slightly polar, at codon 24 of the GJB1 protein (p.Trp24Cys). This variant is not present in population databases (gnomAD no frequency). This missense change has been observed in individuals with clinical features of Charcot-Marie-Tooth disease (PMID: 12185164; Invitae). It has also been observed to segregate with disease in related individuals. ClinVar contains an entry for this variant (Variation ID: 637189). Advanced modeling of protein sequence and biophysical properties (such as structural, functional, and spatial information, amino acid conservation, physicochemical variation, residue mobility, and thermodynamic stability) performed at Invitae indicates that this missense variant is expected to disrupt GJB1 protein function with a positive predictive value of 80%. This variant disrupts the p.Trp24 amino acid residue in GJB1. Other variant(s) that disrupt this residue have been observed in individuals with GJB1-related conditions (PMID: 23011429), which suggests that this may be a clinically significant amino acid residue. In summary, the currently available evidence indicates that the variant is pathogenic, but additional data are needed to prove that conclusively. Therefore, this variant has been classified as Likely Pathogenic.

Inherited Neuropathy Consortium
Classification: Uncertain significance for Charcot-Marie-Tooth disease. Review status: no assertion criteria provided. Collection method: literature only. Allele origin: germline. Affected: yes. Not counted in ClinVar's aggregate classification.

Literature cited by the submitters: PubMed 12185164 (cited by Labcorp Genetics (formerly Invitae), Labcorp and Inherited Neuropathy Consortium); PubMed 23011429 (cited by Labcorp Genetics (formerly Invitae), Labcorp).

NM_000166.6(GJB1):c.72G>T (p.Trp24Cys)

Gene: GJB1 (gap junction protein beta 1; plus strand). Cytogenetic location: Xq13.1.
Variant type: single nucleotide variant.
Coding change: c.72G>T on transcript NM_000166.6 (MANE Select); coding-DNA position 72, G replaced by T.
Protein change: p.Trp24Cys; replaces tryptophan 24 with cysteine.
Molecular consequence: missense variant.
Genome position (GRCh38, 1-based): chrX:71,223,779, G>T. VCF-style: chrX-71223779-G-T. GRCh37 (hg19) VCF-style: chrX-70443629-G-T.
Other names: c.72G>T, p.Trp24Cys (NM_001097642.3); short protein forms W24C.
Identifiers: ClinVar variation 637189 (VCV000637189.9), dbSNP rs1602348658, ClinGen allele CA413500765.